The following is an entry in ClinVar:

NM_001271.4(CHD2):c.44T>G (p.Leu15Arg)

Gene: CHD2 (chromodomain helicase DNA binding protein 2; plus strand). Cytogenetic location: 15q26.1.
Variant type: single nucleotide variant.
Coding change: c.44T>G on transcript NM_001271.4 (MANE Select); coding-DNA position 44, T replaced by G.
Protein change: p.Leu15Arg; replaces leucine 15 with arginine.
Molecular consequence: missense variant.
Genome position (GRCh38, 1-based): chr15:92,901,281, T>G. VCF-style: chr15-92901281-T-G. GRCh37 (hg19) VCF-style: chr15-93444511-T-G.
Other names: c.44T>G, p.Leu15Arg (NM_001042572.3); short protein forms L15R.
Identifiers: ClinVar variation 2706366 (VCV002706366.3), dbSNP rs1060503522, ClinGen allele CA393892423.
Genomic context (GRCh38, chr15:92,901,281, plus strand): 5'-TATTTAAGAATTAAAAGATGATGAGAAATAAGGACAAAAGCCAAGAGGAGGACAGTTCGC[T>G]ACACAGCAATGCATCGAGGTATGAGCTATCAACTTTCTTCCTTTTTGTCTTTTTTTTTGG-3'
Protein context (NP_001262.3, residues 5-25): KDKSQEEDSS[Leu15Arg]HSNASSHSAS

ClinVar aggregate classification (germline): Uncertain significance (1 of 4 stars; one submission).

Conditions:
Developmental and epileptic encephalopathy 94 (DEE94). Also called: CHD2-Related Neurodevelopmental Disorders; Epileptic encephalopathy, childhood-onset. Identifiers: Orphanet 1942, Orphanet 2382, MedGen C3809278, MONDO:0014150, OMIM 615369.

Submission:

Labcorp Genetics (formerly Invitae), Labcorp
Classification: Uncertain significance for Developmental and epileptic encephalopathy 94. Last evaluated: 2023-12-30. Review status: criteria provided, single submitter. Criteria: Invitae Variant Classification Sherloc (09022015). Collection method: clinical testing. Allele origin: germline.
Comment: This sequence change replaces leucine, which is neutral and non-polar, with arginine, which is basic and polar, at codon 15 of the CHD2 protein (p.Leu15Arg). This variant is not present in population databases (gnomAD no frequency). This variant has not been reported in the literature in individuals affected with CHD2-related conditions. Advanced modeling of protein sequence and biophysical properties (such as structural, functional, and spatial information, amino acid conservation, physicochemical variation, residue mobility, and thermodynamic stability) performed at Invitae indicates that this missense variant is not expected to disrupt CHD2 protein function with a negative predictive value of 95%. In summary, the available evidence is currently insufficient to determine the role of this variant in disease. Therefore, it has been classified as a Variant of Uncertain Significance.